The following is an entry in ClinVar:

NM_006206.6(PDGFRA):c.861_866del (p.Asp287_Tyr288del)

Gene: PDGFRA (platelet derived growth factor receptor alpha; plus strand). Cytogenetic location: 4q12.
Variant type: Deletion.
Coding change: c.861_866del on transcript NM_006206.6 (MANE Select); coding-DNA positions 861 to 866, 6 bases deleted (TTACGA; older notation c.861_866delTTACGA).
Protein change: p.Asp287_Tyr288del.
Genome position (GRCh38, 1-based): chr4:54,267,390-54,267,395, TTACGA deleted; deleting any 6 consecutive bases within chr4:54,267,388-54,267,395 gives the same sequence; the c. name uses the placement nearest the transcript's 3' end. VCF-style (leftmost placement, unchanged base first): chr4-54267387-AGATTAC-A. GRCh37 (hg19) VCF-style: chr4-55133554-AGATTAC-A.
Other names: c.861_866del, p.Asp287_Tyr288del (NM_001347829.2, NM_001347827.2); c.900_905del, p.Asp300_Tyr301del (NM_001347830.2); c.936_941del, p.Asp312_Tyr313del (NM_001347828.2).
Identifiers: ClinVar variation 4530349 (VCV004530349.1).

ClinVar aggregate classification (somatic clinical impact): Tier II - Potential (1 of 4 stars; one submission).

Conditions:
Diffuse midline glioma, H3 K27M-mutant. Identifiers: MedGen C4289688, MONDO:0957196.

Submission:

Institute for Genomic Medicine (IGM) Clinical Laboratory, Nationwide Children's Hospital
Classification: Tier II - Potential for Diffuse midline glioma, H3 K27M-mutant. Assertion type: diagnostic. Clinical significance: supports diagnosis. Last evaluated: 2024-10-14. Review status: criteria provided, single submitter. Criteria: AMP/ASCO/CAP Guidelines, 2017. Collection method: clinical testing. Allele origin: somatic. Affected: yes.
Comment: Variant has Tier II (potential) clinical significance as a diagnostic inclusion criterion in diffuse midline glioma, H3 K27M-mutant, based on the following evidence: 1) Appears in one or more well-established professional guidelines (e.g., World Health Organization [WHO]; National Comprehensive Cancer Network [NCCN]) as providing diagnostic, prognostic, or therapeutic information. 2) Diagnostic significance based on multiple small studies (Evidence Level C).